The following is an entry in ClinVar:

ClinVar aggregate classification (germline): Uncertain significance (1 of 4 stars; one submission).

Conditions:
Cardiac arrest. Identifiers: MedGen C0018790, MONDO:0000745, HP:0001695.

Submission:

Clinical Genetics Laboratory, Skane University Hospital Lund
Classification: Uncertain significance for Cardiac arrest. Last evaluated: 2026-11-13. Review status: criteria provided, single submitter. Criteria: ACMG Guidelines, 2015. Collection method: clinical testing. Allele origin: germline. Affected: yes. Observed: 1 variant allele.
Comment: ACMG criteria applied: PM2, PM4.

NM_001079843.3(CASZ1):c.2272_2274del (p.Thr758del)

Gene: CASZ1 (castor zinc finger 1; minus strand). Cytogenetic location: 1p36.22.
Variant type: Deletion.
Coding change: c.2272_2274del on transcript NM_001079843.3 (MANE Select); coding-DNA positions 2272 to 2274, 3 bases deleted (ACC; older notation c.2272_2274delACC).
Protein change: p.Thr758del; deletes threonine 758.
Molecular consequence: inframe deletion.
Genome position (GRCh38, 1-based): chr1:10,653,783-10,653,785, GGT deleted on the plus strand (ACC on the coding strand, the reverse complement: CASZ1 is on the minus strand); deleting any 3 consecutive bases within chr1:10,653,783-10,653,787 gives the same sequence; the c. name uses the placement nearest the transcript's 3' end. VCF-style (leftmost placement, unchanged base first): chr1-10653782-CGGT-C. GRCh37 (hg19) VCF-style: chr1-10713839-CGGT-C.
Other names: c.2272_2274del, p.Thr758del (NM_017766.5); short protein forms T758del.
Identifiers: ClinVar variation 5042721 (VCV005042721.1).
Genomic context (GRCh38, chr1:10,653,782, plus strand): 5'-CCTGGGGCAGCAGCCCCGAGATCTTGCTGTTGGGAGGTTTGGTGGCACTGGGCCCAGCCT[CGGT>C]GGCGGCAGTGGCGGCAGCCAGGGACGCAGAGGACTGCTGGCTGGTAGGGGAGGCGCTCAG-3'